The following is an entry in ClinVar:

ClinVar aggregate classification (germline): Uncertain significance (1 of 4 stars; one submission).

Submission:

Labcorp Genetics (formerly Invitae), Labcorp
Classification: Uncertain significance. Last evaluated: 2018-05-12. Review status: criteria provided, single submitter. Criteria: Invitae Variant Classification Sherloc (09022015). Collection method: clinical testing. Allele origin: germline.
Comment: In summary, the available evidence is currently insufficient to determine the role of this variant in disease. Therefore, it has been classified as a Variant of Uncertain Significance. Algorithms developed to predict the effect of missense changes on protein structure and function do not agree on the potential impact of this missense change (SIFT: "Tolerated"; PolyPhen-2: "Possibly Damaging"; Align-GVGD: "Class C0"). This variant has not been reported in the literature in individuals with TMEM5-related disease. While this variant is not present in population databases, the frequency information is unreliable, as metrics indicate poor data quality at this position in the ExAC database. This sequence change replaces glycine with arginine at codon 55 of the TMEM5 protein (p.Gly55Arg). The glycine residue is moderately conserved and there is a moderate physicochemical difference between glycine and arginine.

NM_014254.3(RXYLT1):c.163G>C (p.Gly55Arg)

Gene: RXYLT1 (ribitol xylosyltransferase 1; plus strand). Cytogenetic location: 12q14.2.
Variant type: single nucleotide variant.
Coding change: c.163G>C on transcript NM_014254.3 (MANE Select); coding-DNA position 163, G replaced by C.
Protein change: p.Gly55Arg; replaces glycine 55 with arginine.
Molecular consequence: missense variant.
Genome position (GRCh38, 1-based): chr12:63,780,123, G>C. VCF-style: chr12-63780123-G-C. GRCh37 (hg19) VCF-style: chr12-64173903-G-C.
Other names: short protein forms G55R.
Identifiers: ClinVar variation 570259 (VCV000570259.9), dbSNP rs1565897565, ClinGen allele CA385584051.
Genomic context (GRCh38, chr12:63,780,123, plus strand): 5'-GCGCCGGCCGGGTCCCCGCGGGGCCTCAGGAAGGGGGCGGCCCCCGCGCGGGAGAGACGC[G>C]GCCGAGGTAGGACTGGGTCGGCGGCTTCCTTCCGGCTCTGCGCTCCTGGCTGGGGCTGCT-3'
Protein context (NP_055069.1, residues 45-65): KGAAPARERR[Gly55Arg]REQSTLESEE